The following is an entry in ClinVar:

NM_198525.3(KIF7):c.1639G>A (p.Gly547Ser)

Gene: KIF7 (kinesin family member 7; minus strand). Cytogenetic location: 15q26.1.
Variant type: single nucleotide variant.
Coding change: c.1639G>A on transcript NM_198525.3 (MANE Select); coding-DNA position 1639, G replaced by A.
Protein change: p.Gly547Ser; replaces glycine 547 with serine.
Molecular consequence: missense variant.
Genome position (GRCh38, 1-based): chr15:89,646,979, C>T on the plus strand (G>A on the coding strand, the complement: KIF7 is on the minus strand). VCF-style: chr15-89646979-C-T. GRCh37 (hg19) VCF-style: chr15-90190210-C-T.
Other names: short protein forms G547S.
Identifiers: ClinVar variation 1801000 (VCV001801000.2), dbSNP rs1247429462, ClinGen allele CA393767730.

ClinVar aggregate classification (germline): Uncertain significance. Review status: criteria provided, multiple submitters, no conflicts (2 of 4 stars). 2 submissions from 2 submitters: Uncertain significance (2). Last evaluated 2025-05-14.

Conditions:
Inborn genetic diseases. Identifiers: MedGen C0950123, MeSH D030342.

Submissions (2):

Ambry Genetics
Classification: Uncertain significance for Inborn genetic diseases. Last evaluated: 2025-05-14. Review status: criteria provided, single submitter. Criteria: Ambry Variant Classification Scheme 2023. Collection method: clinical testing. Allele origin: germline.

GeneDx
Classification: Uncertain significance. Last evaluated: 2022-05-26. Review status: criteria provided, single submitter. Criteria: GeneDx Variant Classification Process June 2021. Collection method: clinical testing. Allele origin: germline. Affected: yes.
Comment: Not observed at significant frequency in large population cohorts (gnomAD); In silico analysis supports that this missense variant does not alter protein structure/function; Has not been previously published as pathogenic or benign to our knowledge